The following is an entry in ClinVar:

ClinVar aggregate classification (germline): Benign/Likely benign. Review status: criteria provided, multiple submitters, no conflicts (2 of 4 stars). 4 submissions from 4 submitters: Benign (2); Likely benign (1). 1 of the submissions does not count toward it. Last evaluated 2026-01-26.

Conditions:
SPEG-related disorder. Also called: SPEG-related condition.

Allele frequency attached by ClinVar (database versions not stated): gnomAD exomes 0.00025 and 0.00081; ExAC 0.00097; 1000 Genomes Project 30x 0.00234; 1000 Genomes Project 0.00260; gnomAD 0.00289 and 0.00316; ESP Exome Variant Server 0.00321; TOPMed 0.00357.
gnomAD v4.1: 829 of 1,612,840 alleles (0.051%); highest among the groups gnomAD compares: African/African-American, 0.99%; 6 homozygotes.

Submissions (4):

Labcorp Genetics (formerly Invitae), Labcorp
Classification: Benign. Last evaluated: 2026-01-26. Review status: criteria provided, single submitter. Criteria: Invitae Variant Classification Sherloc (09022015). Collection method: clinical testing. Allele origin: germline.

Blueprint Genetics
Classification: Likely benign. Last evaluated: 2024-05-13. Review status: criteria provided, single submitter. Criteria: ACMG Guidelines, 2015. Collection method: clinical testing. Allele origin: germline.

Breakthrough Genomics
Classification: Benign. Review status: criteria provided, single submitter. Criteria: ACMG Guidelines, 2015. Collection method: not provided. Allele origin: germline. Inheritance: Autosomal recessive inheritance. Affected: yes.

PreventionGenetics, part of Exact Sciences
Classification: Benign for SPEG-related condition. Last evaluated: 2023-12-19. Review status: no assertion criteria provided. Collection method: clinical testing. Allele origin: germline. Not counted in ClinVar's aggregate classification.
Comment: This variant is classified as benign based on ACMG/AMP sequence variant interpretation guidelines (Richards et al. 2015 PMID: 25741868, with internal and published modifications).

NM_005876.5(SPEG):c.4419G>C (p.Gln1473His)

Gene: SPEG (striated muscle enriched protein kinase; plus strand). Cytogenetic location: 2q35.
Variant type: single nucleotide variant.
Coding change: c.4419G>C on transcript NM_005876.5 (MANE Select); coding-DNA position 4419, G replaced by C.
Protein change: p.Gln1473His; replaces glutamine 1473 with histidine.
Molecular consequence: missense variant.
Genome position (GRCh38, 1-based): chr2:219,473,875, G>C. VCF-style: chr2-219473875-G-C. GRCh37 (hg19) VCF-style: chr2-220338597-G-C.
Other names: short protein forms Q1473H.
Identifiers: ClinVar variation 727250 (VCV000727250.14), dbSNP rs185047969, ClinGen allele CA2126492.